The following is an entry in ClinVar:

NM_014159.7(SETD2):c.4683C>T (p.Gly1561=)

Gene: SETD2 (SET domain containing 2, histone lysine methyltransferase; minus strand). Cytogenetic location: 3p21.31.
Variant type: single nucleotide variant.
Coding change: c.4683C>T on transcript NM_014159.7 (MANE Select); coding-DNA position 4683, C replaced by T.
Protein change: p.Gly1561=; no amino-acid change (glycine 1561 retained).
Molecular consequence: synonymous variant. On other transcripts: non-coding transcript variant (1).
Genome position (GRCh38, 1-based): chr3:47,113,908, G>A on the plus strand (C>T on the coding strand, the complement: SETD2 is on the minus strand). VCF-style: chr3-47113908-G-A. GRCh37 (hg19) VCF-style: chr3-47155398-G-A.
Other names: c.4551C>T, p.Gly1517= (NM_001349370.3).
Identifiers: ClinVar variation 944059 (VCV000944059.2), dbSNP rs1036155862, ClinGen allele CA433480744.
Genomic context (GRCh38, chr3:47,113,908, plus strand): 5'-AGTGAAAGGTAATTAAAAAAGAACTTACGAAGGAAGGTCTTTGGCAGCTCTCAAGCCCCA[G>A]CCTTTCTTTTCTGTGAGTATGACTTCCACATCTGCATGCTGTTTTCTCTGAAACCGTCTA-3'
Protein context (NP_054878.5, residues 1551-1571): DVEVILTEKK[Gly1561=]WGLRAAKDLP

ClinVar aggregate classification (germline): Uncertain significance (1 of 4 stars; one submission).

Conditions:
Luscan-Lumish syndrome. Identifiers: Orphanet 597738, MedGen C4085873, MONDO:0014791, OMIM 616831.

Submission:

Labcorp Genetics (formerly Invitae), Labcorp
Classification: Uncertain significance for Luscan-Lumish syndrome. Last evaluated: 2019-04-18. Review status: criteria provided, single submitter. Criteria: Invitae Variant Classification Sherloc (09022015). Collection method: clinical testing. Allele origin: germline.
Comment: This sequence change affects codon 1561 of the SETD2 mRNA. It is a 'silent' change, meaning that it does not change the encoded amino acid sequence of the SETD2 protein. This variant is not present in population databases (ExAC no frequency). This variant has not been reported in the literature in individuals with SETD2-related conditions. Algorithms developed to predict the effect of sequence changes on RNA splicing suggest that this variant may create or strengthen a splice site, but this prediction has not been confirmed by published transcriptional studies. In summary, the available evidence is currently insufficient to determine the role of this variant in disease. Therefore, it has been classified as a Variant of Uncertain Significance.